The following is an entry in ClinVar:

ClinVar aggregate classification (germline): Uncertain significance (1 of 4 stars; one submission).

Allele frequency attached by ClinVar (database versions not stated): gnomAD exomes below 0.00001.
gnomAD v4.1: 1 of 1,613,624 alleles (0.000062%); highest among the groups gnomAD compares: Non-Finnish European, 0.000085%; no homozygotes.

Submission:

GeneDx
Classification: Uncertain significance. Last evaluated: 2022-12-21. Review status: criteria provided, single submitter. Criteria: GeneDx Variant Classification Process June 2021. Collection method: clinical testing. Allele origin: germline. Affected: yes.
Comment: Not observed at significant frequency in large population cohorts (gnomAD); In silico analysis supports that this missense variant has a deleterious effect on protein structure/function; Has not been previously published as pathogenic or benign to our knowledge

NM_001378452.1(ITPR1):c.5935C>T (p.Arg1979Cys)

Gene: ITPR1 (inositol 1,4,5-trisphosphate receptor type 1; plus strand). Cytogenetic location: 3p26.1.
Variant type: single nucleotide variant.
Coding change: c.5935C>T on transcript NM_001378452.1 (MANE Select); coding-DNA position 5935, C replaced by T.
Protein change: p.Arg1979Cys; replaces arginine 1979 with cysteine.
Molecular consequence: missense variant.
Genome position (GRCh38, 1-based): chr3:4,768,720, C>T. VCF-style: chr3-4768720-C-T. GRCh37 (hg19) VCF-style: chr3-4810404-C-T.
Other names: c.5791C>T, p.Arg1931Cys (NM_001099952.4); c.5890C>T, p.Arg1964Cys (NM_001168272.2); c.5746C>T, p.Arg1916Cys (NM_002222.7); short protein forms R1916C, R1931C, R1964C, R1979C.
Identifiers: ClinVar variation 2506652 (VCV002506652.1), dbSNP rs2470045133, ClinGen allele CA351635500.